The following is an entry in ClinVar:

NM_020533.3(MCOLN1):c.457G>A (p.Gly153Arg)

Gene: MCOLN1 (mucolipin TRP cation channel 1; plus strand). Cytogenetic location: 19p13.2.
Variant type: single nucleotide variant.
Coding change: c.457G>A on transcript NM_020533.3 (MANE Select); coding-DNA position 457, G replaced by A.
Protein change: p.Gly153Arg; replaces glycine 153 with arginine.
Molecular consequence: missense variant.
Genome position (GRCh38, 1-based): chr19:7,526,812, G>A. VCF-style: chr19-7526812-G-A. GRCh37 (hg19) VCF-style: chr19-7591698-G-A.
Other names: short protein forms G153R.
Identifiers: ClinVar variation 2162125 (VCV002162125.2), dbSNP rs1365494318, ClinGen allele CA403081321.

ClinVar aggregate classification (germline): Uncertain significance (1 of 4 stars; one submission).

Conditions:
Mucolipidosis type IV (ML4). Also called: ML IV. Identifiers: Orphanet 578, MedGen C0238286, MONDO:0009653, OMIM 252650.

Allele frequency attached by ClinVar (database versions not stated): gnomAD exomes below 0.00001.

Submission:

Labcorp Genetics (formerly Invitae), Labcorp
Classification: Uncertain significance for Mucolipidosis type IV. Last evaluated: 2026-01-21. Review status: criteria provided, single submitter. Criteria: Invitae Variant Classification Sherloc (09022015). Collection method: clinical testing. Allele origin: germline.
Comment: This sequence change replaces glycine, which is neutral and non-polar, with arginine, which is basic and polar, at codon 153 of the MCOLN1 protein (p.Gly153Arg). This variant is present in population databases (no rsID available, gnomAD 0.003%). This variant has not been reported in the literature in individuals affected with MCOLN1-related conditions. ClinVar contains an entry for this variant (Variation ID: 2162125). Invitae Evidence Modeling of protein sequence and biophysical properties (such as structural, functional, and spatial information, amino acid conservation, physicochemical variation, residue mobility, and thermodynamic stability) indicates that this missense variant is not expected to disrupt MCOLN1 protein function with a negative predictive value of 95%. In summary, the available evidence is currently insufficient to determine the role of this variant in disease. Therefore, it has been classified as a Variant of Uncertain Significance.